The following is an entry in ClinVar:

ClinVar aggregate classification (germline): Likely benign (1 of 4 stars; one submission).

Conditions:
VPS33B-related disorder. Also called: VPS33B-related condition.

Submission:

PreventionGenetics, part of Exact Sciences
Classification: Likely benign for VPS33B-related condition. Last evaluated: 2026-06-03. Review status: criteria provided, single submitter. Criteria: ACMG Guidelines, 2015. Collection method: clinical testing. Allele origin: germline.
Comment: This variant is classified as likely benign based on ACMG/AMP sequence variant interpretation guidelines (Richards et al. 2015 PMID: 25741868, with internal and published modifications).

NM_018668.5(VPS33B):c.177+6G>C

Gene: VPS33B (VPS33B late endosome and lysosome associated; minus strand). Cytogenetic location: 15q26.1.
Variant type: single nucleotide variant.
Coding change: c.177+6G>C on transcript NM_018668.5 (MANE Select); 6 bases into the intron after coding-DNA position 177, G replaced by C.
Molecular consequence: intron variant.
Genome position (GRCh38, 1-based): chr15:91,017,799, C>G on the plus strand (G>C on the coding strand, the complement: VPS33B is on the minus strand). VCF-style: chr15-91017799-C-G. GRCh37 (hg19) VCF-style: chr15-91561029-C-G.
Other names: c.97-775G>C (NM_001289148.1); c.-35+6G>C (NM_001289149.1).
Identifiers: ClinVar variation 4996029 (VCV004996029.1).
Genomic context (GRCh38, chr15:91,017,799, plus strand): 5'-TGTATTGTTCATCAAAAGAAAAACTGCTTAAAGAGGGGCATGGCCCCCAGGGGAAAGGGA[C>G]AGTACCTTCAGGATGGAGACATTGGCAATTCGATCCAAAGGGCTCATGAGATCTGCCTCA-3'